The following is an entry in ClinVar:

NM_006384.4(CIB1):c.461del (p.Asp154fs)

Gene: CIB1 (calcium and integrin binding 1; minus strand). Cytogenetic location: 15q26.1.
Variant type: Deletion.
Coding change: c.461del on transcript NM_006384.4 (MANE Select); coding-DNA position 461, one base deleted (A; older notation c.461delA).
Protein change: p.Asp154fs; shifts the reading frame from aspartic acid 154.
Molecular consequence: frameshift variant. On other transcripts: non-coding transcript variant (2).
Genome position (GRCh38, 1-based): chr15:90,231,099, T deleted on the plus strand (A on the coding strand, the reverse complement: CIB1 is on the minus strand). VCF-style (leftmost placement, unchanged base first): chr15-90231098-GT-G. GRCh37 (hg19) VCF-style: chr15-90774330-GT-G.
Other names: c.581del, p.Asp194fs (NM_001277764.2); c.461delA (NM_006384.4); short protein forms D154fs, D194fs.
Identifiers: ClinVar variation 3256944 (VCV003256944.1).
Genomic context (GRCh38, chr15:90,231,098, plus strand): 5'-TTTCAGGCCAGAGCCCCAACTGCTCCCTCCCGCTCCCAGGCCTGCTCAGCTGCTCACGTT[GT>G]CGATGAGCTGCTTCATCTCAGACGCACTAAGCCGTGTGTCCTCGCCCTCTCCCGTGAGGC-3'

ClinVar aggregate classification (germline): Likely pathogenic (1 of 4 stars; one submission).

Conditions:
Susceptibility to severe COVID-19.

Submission:

Molecular Medicine Center, Medical University of Sofia
Classification: Likely pathogenic for Susceptibility to severe COVID-19. Last evaluated: 2024-07-22. Review status: criteria provided, single submitter. Criteria: ACMG Guidelines, 2015. Collection method: research. Allele origin: germline. Affected: yes.
Comment: Novel (unreported in gnomAD or dbSNP until April 2024) variant found in severely infected COVID-19 Bulgarian patients in a research study. Variant is classified as likely pathogenic according to the ACMG criteria: PM2,PVS1.